The following is an entry in ClinVar:

NM_139343.3(BIN1):c.1729C>G (p.Leu577Val)

Gene: BIN1 (bridging integrator 1; minus strand). Cytogenetic location: 2q14.3.
Variant type: single nucleotide variant.
Coding change: c.1729C>G on transcript NM_139343.3 (MANE Select); coding-DNA position 1729, C replaced by G.
Protein change: p.Leu577Val; replaces leucine 577 with valine.
Molecular consequence: missense variant.
Genome position (GRCh38, 1-based): chr2:127,048,579, G>C on the plus strand (C>G on the coding strand, the complement: BIN1 is on the minus strand). VCF-style: chr2-127048579-G-C. GRCh37 (hg19) VCF-style: chr2-127806155-G-C.
Other names: c.1222C>G, p.Leu408Val (NM_001320632.2); c.1360C>G, p.Leu454Val (NM_001320633.2); c.1105C>G, p.Leu369Val (NM_001320634.1); c.1489C>G, p.Leu497Val (NM_001320640.2); c.1636C>G, p.Leu546Val (NM_001320641.2); c.1648C>G, p.Leu550Val (NM_001320642.1); c.1312C>G, p.Leu438Val (NM_004305.4); c.1600C>G, p.Leu534Val (NM_139344.3); and 7 more; short protein forms L393V, L497V, L546V, L408V, L423V, L481V, L490V, L534V.
Identifiers: ClinVar variation 666023 (VCV000666023.9), dbSNP rs771368114, ClinGen allele CA1856930.

ClinVar aggregate classification (germline): Uncertain significance. Review status: criteria provided, multiple submitters, no conflicts (2 of 4 stars). 2 submissions from 2 submitters: Uncertain significance (2). Last evaluated 2025-08-29.

Conditions:
Myopathy, centronuclear, 2 (CNM2). Also called: MYOTUBULAR MYOPATHY, AUTOSOMAL RECESSIVE. Identifiers: Orphanet 169186, MedGen CN031787, MONDO:0009709, OMIM 255200.

Allele frequency attached by ClinVar (database versions not stated): gnomAD exomes 0.00001; ExAC 0.00002; gnomAD 0.00002; TOPMed 0.00002.
gnomAD v4.1: 3 of 1,613,672 alleles (0.00019%); highest among the groups gnomAD compares: African/African-American, 0.004%; no homozygotes.

Submissions (2):

Labcorp Genetics (formerly Invitae), Labcorp
Classification: Uncertain significance for Myopathy, centronuclear, 2. Last evaluated: 2025-08-29. Review status: criteria provided, single submitter. Criteria: Invitae Variant Classification Sherloc (09022015). Collection method: clinical testing. Allele origin: germline.
Comment: This sequence change replaces leucine, which is neutral and non-polar, with valine, which is neutral and non-polar, at codon 577 of the BIN1 protein (p.Leu577Val). This variant is present in population databases (rs771368114, gnomAD 0.01%). This variant has not been reported in the literature in individuals affected with BIN1-related conditions. ClinVar contains an entry for this variant (Variation ID: 666023). Invitae Evidence Modeling of protein sequence and biophysical properties (such as structural, functional, and spatial information, amino acid conservation, physicochemical variation, residue mobility, and thermodynamic stability) indicates that this missense variant is not expected to disrupt BIN1 protein function with a negative predictive value of 80%. In summary, the available evidence is currently insufficient to determine the role of this variant in disease. Therefore, it has been classified as a Variant of Uncertain Significance.

Baylor Genetics
Classification: Uncertain significance for Myopathy, centronuclear, 2. Last evaluated: 2018-10-15. Review status: criteria provided, single submitter. Criteria: ACMG Guidelines, 2015. Collection method: clinical testing. Allele origin: paternal. Affected: yes.
Comment: This variant was determined to be of uncertain significance according to ACMG Guidelines, 2015 [PMID:25741868].